The following is an entry in ClinVar:

NM_000548.5(TSC2):c.482-4_482-3delinsGT

Gene: TSC2 (TSC complex subunit 2; plus strand). Cytogenetic location: 16p13.3.
Variant type: Indel.
Coding change: c.482-4_482-3delinsGT on transcript NM_000548.5 (MANE Select); 4 bases into the intron before coding-DNA position 482 through 3 bases into the intron before coding-DNA position 482, CC replaced by GT.
Molecular consequence: intron variant.
Genome position (GRCh38, 1-based): chr16:2,055,398-2,055,399, CC replaced by GT. VCF-style: chr16-2055398-CC-GT. GRCh37 (hg19) VCF-style: chr16-2105399-CC-GT.
Other names: c.482-4_482-3delinsGT (NM_001114382.3, NM_021055.3, NM_001370405.1 and 3 more transcripts); c.371-4_371-3delinsGT (NM_001318827.2); c.-1-798_-1-797delinsGT (NM_001318831.2); c.335-4_335-3delinsGT (NM_001318829.2); c.515-4_515-3delinsGT (NM_001318832.2).
Identifiers: ClinVar variation 844721 (VCV000844721.9), dbSNP rs2085650597, ClinGen allele CA916081767.

ClinVar aggregate classification (germline): Uncertain significance (1 of 4 stars; one submission).

Conditions:
Tuberous sclerosis 2 (TSC2). Identifiers: Orphanet 805, MedGen C1860707, MONDO:0013199, OMIM 613254.

Submission:

Labcorp Genetics (formerly Invitae), Labcorp
Classification: Uncertain significance for Tuberous sclerosis 2. Last evaluated: 2023-03-21. Review status: criteria provided, single submitter. Criteria: Invitae Variant Classification Sherloc (09022015). Collection method: clinical testing. Allele origin: germline.
Comment: ClinVar contains an entry for this variant (Variation ID: 844721). Variants that disrupt the consensus splice site are a relatively common cause of aberrant splicing (PMID: 17576681, 9536098). This variant has not been reported in the literature in individuals affected with TSC2-related conditions. Information on the frequency of this variant in the gnomAD database is not available, as this variant may be reported differently in the database. In summary, the available evidence is currently insufficient to determine the role of this variant in disease. Therefore, it has been classified as a Variant of Uncertain Significance. This sequence change falls in intron 5 of the TSC2 gene. It does not directly change the encoded amino acid sequence of the TSC2 protein. It affects a nucleotide within the consensus splice site.

Literature cited by the submitters: PubMed 17576681; PubMed 9536098.